The following is an entry in ClinVar:

NM_001349253.2(SCN11A):c.2804A>C (p.Gln935Pro)

Gene: SCN11A (sodium voltage-gated channel alpha subunit 11; minus strand). Cytogenetic location: 3p22.2.
Variant type: single nucleotide variant.
Coding change: c.2804A>C on transcript NM_001349253.2 (MANE Select); coding-DNA position 2804, A replaced by C.
Protein change: p.Gln935Pro; replaces glutamine 935 with proline.
Molecular consequence: missense variant.
Genome position (GRCh38, 1-based): chr3:38,894,564, T>G on the plus strand (A>C on the coding strand, the complement: SCN11A is on the minus strand). VCF-style: chr3-38894564-T-G. GRCh37 (hg19) VCF-style: chr3-38936055-T-G.
Other names: c.2804A>C, p.Gln935Pro (NM_014139.3); short protein forms Q935P.
Identifiers: ClinVar variation 943953 (VCV000943953.7), dbSNP rs374516577, ClinGen allele CA2321966.
Genomic context (GRCh38, chr3:38,894,564, plus strand): 5'-CCTTTAAGTCTATGTGTGAACCTTCATACCTGTTGTTCAGGCTCAGGTTGTGTGATGCGC[T>G]GTGCATTATCTTCACCAGAAAATTCAACGTCATCTTCCTCCTCCGCAAGTGGTGCCAACC-3'
Protein context (NP_001336182.1, residues 925-945): DVEFSGEDNA[Gln935Pro]RITQPEPEQQ

ClinVar aggregate classification (germline): Uncertain significance. Review status: criteria provided, multiple submitters, no conflicts (2 of 4 stars). 2 submissions from 2 submitters: Uncertain significance (2). Last evaluated 2022-12-04.

Conditions:
Hereditary sensory and autonomic neuropathy type 7. Also called: Neuropathy, hereditary sensory and autonomic, type VII; HSAN VII. Identifiers: Orphanet 391397, MedGen C3809882, MONDO:0014244, OMIM 615548.
Familial episodic pain syndrome with predominantly lower limb involvement. Also called: Episodic pain syndrome, familial, 3. Identifiers: Orphanet 391384, Orphanet 391392, MedGen C3809899, MONDO:0014247, OMIM 615552.

Allele frequency attached by ClinVar (database versions not stated): ExAC 0.00001; gnomAD 0.00001; gnomAD exomes 0.00001; TOPMed 0.00001.
gnomAD v4.1: 8 of 1,612,834 alleles (0.0005%); highest among the groups gnomAD compares: East Asian, 0.0089%; no homozygotes.

Submissions (2):

Labcorp Genetics (formerly Invitae), Labcorp
Classification: Uncertain significance for Familial episodic pain syndrome with predominantly lower limb involvement; Hereditary sensory and autonomic neuropathy type 7. Last evaluated: 2022-12-04. Review status: criteria provided, single submitter. Criteria: Invitae Variant Classification Sherloc (09022015). Collection method: clinical testing. Allele origin: germline.
Comment: In summary, the available evidence is currently insufficient to determine the role of this variant in disease. Therefore, it has been classified as a Variant of Uncertain Significance. Algorithms developed to predict the effect of missense changes on protein structure and function output the following: SIFT: "Tolerated"; PolyPhen-2: "Benign"; Align-GVGD: "Class C0". The proline amino acid residue is found in multiple mammalian species, which suggests that this missense change does not adversely affect protein function. ClinVar contains an entry for this variant (Variation ID: 943953). This variant has not been reported in the literature in individuals affected with SCN11A-related conditions. This variant is present in population databases (rs374516577, gnomAD 0.006%). This sequence change replaces glutamine, which is neutral and polar, with proline, which is neutral and non-polar, at codon 935 of the SCN11A protein (p.Gln935Pro).

Blueprint Genetics
Classification: Uncertain significance. Last evaluated: 2019-10-23. Review status: criteria provided, single submitter. Criteria: ACMG Guidelines, 2015. Collection method: clinical testing. Allele origin: germline.